The following is an entry in ClinVar:

ClinVar aggregate classification (germline): Uncertain significance (1 of 4 stars; one submission).

Conditions:
Congenital dyserythropoietic anemia, type II (CDAN2). Also called: DYSERYTHROPOIETIC ANEMIA, HEMPAS TYPE. Identifiers: Orphanet 98873, MedGen C1306589, MONDO:0009134, OMIM 224100.
Cowden syndrome 7 (CWS7). Identifiers: Orphanet 201, MedGen C4225179, MONDO:0014802, OMIM 616858.

Allele frequency attached by ClinVar (database versions not stated): gnomAD exomes 0.00001 and 0.00002; TOPMed 0.00001; ExAC 0.00002; gnomAD 0.00002.
gnomAD v4.1: 38 of 1,614,060 alleles (0.0024%); highest among the groups gnomAD compares: South Asian, 0.012%; no homozygotes.

Submission:

Labcorp Genetics (formerly Invitae), Labcorp
Classification: Uncertain significance for Congenital dyserythropoietic anemia, type II; Cowden syndrome 7. Last evaluated: 2021-09-24. Review status: criteria provided, single submitter. Criteria: Invitae Variant Classification Sherloc (09022015). Collection method: clinical testing. Allele origin: germline.
Comment: This sequence change replaces arginine with histidine at codon 670 of the SEC23B protein (p.Arg670His). The arginine residue is highly conserved and there is a small physicochemical difference between arginine and histidine. This variant is present in population databases (rs757662443, ExAC 0.01%). This variant has not been reported in the literature in individuals with SEC23B-related conditions. Algorithms developed to predict the effect of missense changes on protein structure and function are either unavailable or do not agree on the potential impact of this missense change (SIFT: "Deleterious"; PolyPhen-2: "Possibly Damaging"; Align-GVGD: "Class C0"). In summary, the available evidence is currently insufficient to determine the role of this variant in disease. Therefore, it has been classified as a Variant of Uncertain Significance.

NM_006363.6(SEC23B):c.2009G>A (p.Arg670His)

Gene: SEC23B (SEC23 homolog B, COPII component; plus strand). Cytogenetic location: 20p11.23.
Variant type: single nucleotide variant.
Coding change: c.2009G>A on transcript NM_006363.6 (MANE Select); coding-DNA position 2009, G replaced by A.
Protein change: p.Arg670His; replaces arginine 670 with histidine.
Molecular consequence: missense variant.
Genome position (GRCh38, 1-based): chr20:18,554,251, G>A. VCF-style: chr20-18554251-G-A. GRCh37 (hg19) VCF-style: chr20-18534895-G-A.
Other names: c.2009G>A, p.Arg670His (NM_001172745.3, NM_032985.6, NM_032986.5); c.1955G>A, p.Arg652His (NM_001172746.3); short protein forms R652H, R670H.
Identifiers: ClinVar variation 1405253 (VCV001405253.5), dbSNP rs757662443, ClinGen allele CA9778574.